The following is an entry in ClinVar:

NM_001165963.4(SCN1A):c.4499T>C (p.Met1500Thr)

Genes: SCN1A (sodium voltage-gated channel alpha subunit 1; minus strand), LOC102724058 (uncharacterized LOC102724058; plus strand). Cytogenetic location: 2q24.3.
Variant type: single nucleotide variant.
Coding change: c.4499T>C on transcript NM_001165963.4 (MANE Select); coding-DNA position 4499, T replaced by C.
Protein change: p.Met1500Thr; replaces methionine 1500 with threonine.
Molecular consequence: missense variant. On other transcripts: non-coding transcript variant (1).
Genome position (GRCh38, 1-based): chr2:165,996,095, A>G on the plus strand (T>C on the coding strand, the complement: SCN1A is on the minus strand). VCF-style: chr2-165996095-A-G. GRCh37 (hg19) VCF-style: chr2-166852605-A-G.
Other names: c.4415T>C, p.Met1472Thr (NM_001165964.3, NM_001353957.2, NM_001353958.2); c.4499T>C, p.Met1500Thr (NM_001202435.3, NM_001353948.2); c.4466T>C, p.Met1489Thr (NM_001353949.2, NM_001353950.2, NM_001353951.2 and 2 more transcripts); c.4463T>C, p.Met1488Thr (NM_001353954.2, NM_001353955.2); c.4412T>C, p.Met1471Thr (NM_001353960.2); c.2057T>C, p.Met686Thr (NM_001353961.2); short protein forms M1471T, M1472T, M1488T, M1489T, M1500T, M686T.
Identifiers: ClinVar variation 1056154 (VCV001056154.11), dbSNP rs745687892, ClinGen allele CA1942781.

ClinVar aggregate classification (germline): Uncertain significance. Review status: criteria provided, multiple submitters, no conflicts (2 of 4 stars). 2 submissions from 2 submitters: Uncertain significance (2). Last evaluated 2022-07-11.

Conditions:
Early-infantile DEE. Also called: Ohtahara syndrome; Early infantile epileptic encephalopathy with suppression bursts; Early infantile epileptic encephalopathy. Identifiers: Orphanet 1934, MedGen C0393706, MONDO:0800491.

Allele frequency attached by ClinVar (database versions not stated): gnomAD exomes below 0.00001; ExAC 0.00001.

Submissions (2):

Labcorp Genetics (formerly Invitae), Labcorp
Classification: Uncertain significance for Early-infantile DEE. Last evaluated: 2022-07-11. Review status: criteria provided, single submitter. Criteria: Invitae Variant Classification Sherloc (09022015). Collection method: clinical testing. Allele origin: germline.
Comment: In summary, the available evidence is currently insufficient to determine the role of this variant in disease. Therefore, it has been classified as a Variant of Uncertain Significance. Advanced modeling of protein sequence and biophysical properties (such as structural, functional, and spatial information, amino acid conservation, physicochemical variation, residue mobility, and thermodynamic stability) performed at Invitae indicates that this missense variant is expected to disrupt SCN1A protein function. ClinVar contains an entry for this variant (Variation ID: 1056154). This variant has not been reported in the literature in individuals affected with SCN1A-related conditions. This variant is present in population databases (rs745687892, gnomAD 0.002%). This sequence change replaces methionine, which is neutral and non-polar, with threonine, which is neutral and polar, at codon 1500 of the SCN1A protein (p.Met1500Thr).

GeneDx
Classification: Uncertain significance. Last evaluated: 2019-06-11. Review status: criteria provided, single submitter. Criteria: GeneDx Variant Classification Process June 2021. Collection method: clinical testing. Allele origin: germline. Affected: yes.
Comment: Not observed at a significant frequency in large population cohorts (Lek et al., 2016); The majority of missense variants in this gene are considered pathogenic (Stenson et al., 2014); In silico analysis, which includes protein predictors and evolutionary conservation, supports a deleterious effect; Has not been previously published as pathogenic or benign to our knowledge